The following is an entry in ClinVar:

NM_001122681.2(SH3BP2):c.44T>C (p.Ile15Thr)

Gene: SH3BP2 (SH3 domain binding protein 2; plus strand). Cytogenetic location: 4p16.3.
Variant type: single nucleotide variant.
Coding change: c.44T>C on transcript NM_001122681.2 (MANE Select); coding-DNA position 44, T replaced by C.
Protein change: p.Ile15Thr; replaces isoleucine 15 with threonine.
Molecular consequence: missense variant.
Genome position (GRCh38, 1-based): chr4:2,820,661, T>C. VCF-style: chr4-2820661-T-C. GRCh37 (hg19) VCF-style: chr4-2822388-T-C.
Other names: c.128T>C, p.Ile43Thr (NM_001145855.2); c.215T>C, p.Ile72Thr (NM_001145856.2); c.44T>C, p.Ile15Thr (NM_003023.4); short protein forms I43T, I72T, I15T.
Identifiers: ClinVar variation 1421592 (VCV001421592.9), dbSNP rs777574434, ClinGen allele CA2818889.
Genomic context (GRCh38, chr4:2,820,661, plus strand): 5'-TCCTTTATTGCAGCTTCATGGCGGCTGAAGAGATGCATTGGCCTGTCCCTATGAAGGCCA[T>C]TGGTGCCCAGAACCTGCTAACCATGCCTGGGGGCGTGGCCAAGGCTGGCTACCTGCACAA-3'
Protein context (NP_001116153.1, residues 5-25): EMHWPVPMKA[Ile15Thr]GAQNLLTMPG

ClinVar aggregate classification (germline): Uncertain significance. Review status: criteria provided, multiple submitters, no conflicts (2 of 4 stars). 2 submissions from 2 submitters: Uncertain significance (2). Last evaluated 2023-05-31.

Conditions:
Fibrous dysplasia of jaw (CRBM). Also called: Cherubism. Identifiers: Orphanet 184, MedGen C0008029, MONDO:0007315, OMIM 118400.
Inborn genetic diseases. Identifiers: MedGen C0950123, MeSH D030342.

Allele frequency attached by ClinVar (database versions not stated): gnomAD exomes below 0.00001; ExAC 0.00001; gnomAD 0.00001.
gnomAD v4.1: 5 of 1,614,010 alleles (0.00031%); highest among the groups gnomAD compares: East Asian, 0.0022%; no homozygotes.

Submissions (2):

Ambry Genetics
Classification: Uncertain significance for Inborn genetic diseases. Last evaluated: 2023-05-31. Review status: criteria provided, single submitter. Criteria: Ambry Variant Classification Scheme 2023. Collection method: clinical testing. Allele origin: germline.

Labcorp Genetics (formerly Invitae), Labcorp
Classification: Uncertain significance for Fibrous dysplasia of jaw. Last evaluated: 2021-05-20. Review status: criteria provided, single submitter. Criteria: Invitae Variant Classification Sherloc (09022015). Collection method: clinical testing. Allele origin: germline.
Comment: In summary, the available evidence is currently insufficient to determine the role of this variant in disease. Therefore, it has been classified as a Variant of Uncertain Significance. Algorithms developed to predict the effect of missense changes on protein structure and function (SIFT, PolyPhen-2, Align-GVGD) all suggest that this variant is likely to be disruptive, but these predictions have not been confirmed by published functional studies and their clinical significance is uncertain. This variant has not been reported in the literature in individuals with SH3BP2-related conditions. The frequency data for this variant in the population databases is considered unreliable, as metrics indicate poor data quality at this position in the ExAC database. This sequence change replaces isoleucine with threonine at codon 15 of the SH3BP2 protein (p.Ile15Thr). The isoleucine residue is highly conserved and there is a moderate physicochemical difference between isoleucine and threonine.